The following is an entry in ClinVar:

NM_017999.5(RNF31):c.1123C>T (p.Arg375Ter)

Gene: RNF31 (ring finger protein 31; plus strand). Cytogenetic location: 14q12.
Variant type: single nucleotide variant.
Coding change: c.1123C>T on transcript NM_017999.5 (MANE Select); coding-DNA position 1123, C replaced by T.
Protein change: p.Arg375Ter; replaces arginine 375 with a stop codon.
Molecular consequence: nonsense.
Genome position (GRCh38, 1-based): chr14:24,150,374, C>T. VCF-style: chr14-24150374-C-T. GRCh37 (hg19) VCF-style: chr14-24619583-C-T.
Other names: c.670C>T, p.Arg224Ter (NM_001310332.2); short protein forms R224*, R375*.
Identifiers: ClinVar variation 4753646 (VCV004753646.1).

ClinVar aggregate classification (germline): Uncertain significance (1 of 4 stars; one submission).

gnomAD v4.1: 3 of 1,613,798 alleles (0.00019%); highest among the groups gnomAD compares: Non-Finnish European, 0.00025%; no homozygotes.

Submission:

Labcorp Genetics (formerly Invitae), Labcorp
Classification: Uncertain significance. Last evaluated: 2025-05-22. Review status: criteria provided, single submitter. Criteria: Invitae Variant Classification Sherloc (09022015). Collection method: clinical testing. Allele origin: germline.
Comment: This sequence change creates a premature translational stop signal (p.Arg375*) in the RNF31 gene. It is expected to result in an absent or disrupted protein product. However, the current clinical and genetic evidence is not sufficient to establish whether loss-of-function variants in RNF31 cause disease. This variant is present in population databases (no rsID available, gnomAD 0.004%). This variant has not been reported in the literature in individuals affected with RNF31-related conditions. Algorithms developed to predict the effect of sequence changes on RNA splicing suggest that this variant may disrupt the consensus splice site. In summary, the available evidence is currently insufficient to determine the role of this variant in disease. Therefore, it has been classified as a Variant of Uncertain Significance.